The following is an entry in ClinVar:

NC_000010.11:g.43116583GGA[1]

Gene: RET (ret proto-oncogene; plus strand). Cytogenetic location: 10q11.21.
Variant type: Microsatellite.
Genome position: GRCh38 VCF-style: chr10-43116581-TAGG-T. GRCh37 (hg19) VCF-style: chr10-43612029-TAGG-T.
Identifiers: ClinVar variation 964918 (VCV000964918.14), dbSNP rs1838075264, ClinGen allele CA1905815805.

ClinVar aggregate classification (germline): Uncertain significance (1 of 4 stars; one submission).

Conditions:
Multiple endocrine neoplasia, type 2 (MEN2). Identifiers: Orphanet 653, MedGen C4048306, MONDO:0019003. Disease mechanism: gain of function.

Submission:

Labcorp Genetics (formerly Invitae), Labcorp
Classification: Uncertain significance for Multiple endocrine neoplasia, type 2. Last evaluated: 2023-03-16. Review status: criteria provided, single submitter. Criteria: Invitae Variant Classification Sherloc (09022015). Collection method: clinical testing. Allele origin: germline.
Comment: In summary, the available evidence is currently insufficient to determine the role of this variant in disease. Therefore, it has been classified as a Variant of Uncertain Significance. Algorithms developed to predict the effect of sequence changes on RNA splicing suggest that this variant may disrupt the consensus splice site. Experimental studies and prediction algorithms are not available or were not evaluated, and the functional significance of this variant is currently unknown. ClinVar contains an entry for this variant (Variation ID: 964918). This variant has not been reported in the literature in individuals affected with RET-related conditions. This variant is not present in population databases (gnomAD no frequency). This variant, c.2139_2141del, results in the deletion of 1 amino acid(s) of the RET protein (p.Glu713del), but otherwise preserves the integrity of the reading frame.